The following is an entry in ClinVar:

NM_002250.3(KCNN4):c.1199C>T (p.Ala400Val)

Gene: KCNN4 (potassium calcium-activated channel subfamily N member 4; minus strand). Cytogenetic location: 19q13.31.
Variant type: single nucleotide variant.
Coding change: c.1199C>T on transcript NM_002250.3 (MANE Select); coding-DNA position 1199, C replaced by T.
Protein change: p.Ala400Val; replaces alanine 400 with valine.
Molecular consequence: missense variant.
Genome position (GRCh38, 1-based): chr19:43,767,628, G>A on the plus strand (C>T on the coding strand, the complement: KCNN4 is on the minus strand). VCF-style: chr19-43767628-G-A. GRCh37 (hg19) VCF-style: chr19-44271780-G-A.
Other names: short protein forms A400V.
Identifiers: ClinVar variation 3707336 (VCV003707336.2).

ClinVar aggregate classification (germline): Uncertain significance (1 of 4 stars; one submission).

gnomAD v4.1: 21 of 1,613,994 alleles (0.0013%); highest among the groups gnomAD compares: East Asian, 0.0022%; no homozygotes.

Submission:

Labcorp Genetics (formerly Invitae), Labcorp
Classification: Uncertain significance. Last evaluated: 2025-01-27. Review status: criteria provided, single submitter. Criteria: Invitae Variant Classification Sherloc (09022015). Collection method: clinical testing. Allele origin: germline.
Comment: This sequence change replaces alanine, which is neutral and non-polar, with valine, which is neutral and non-polar, at codon 400 of the KCNN4 protein (p.Ala400Val). This variant is present in population databases (no rsID available, gnomAD 0.003%). This variant has not been reported in the literature in individuals affected with KCNN4-related conditions. Invitae Evidence Modeling of protein sequence and biophysical properties (such as structural, functional, and spatial information, amino acid conservation, physicochemical variation, residue mobility, and thermodynamic stability) indicates that this missense variant is not expected to disrupt KCNN4 protein function with a negative predictive value of 80%. In summary, the available evidence is currently insufficient to determine the role of this variant in disease. Therefore, it has been classified as a Variant of Uncertain Significance.